The following is an entry in ClinVar:

ClinVar aggregate classification (germline): Uncertain significance (1 of 4 stars; one submission).

Allele frequency attached by ClinVar (database versions not stated): gnomAD exomes below 0.00001.
gnomAD v4.1: 1 of 1,614,180 alleles (0.000062%); highest among the groups gnomAD compares: Admixed American, 0.0017%; no homozygotes.

Submission:

Ambry Genetics
Classification: Uncertain significance. Last evaluated: 2023-04-07. Review status: criteria provided, single submitter. Criteria: Ambry Variant Classification Scheme 2023. Collection method: clinical testing. Allele origin: germline.
Comment: The p.S1670R variant (also known as c.5008A>C), located in coding exon 44 of the KIF1B gene, results from an A to C substitution at nucleotide position 5008. The serine at codon 1670 is replaced by arginine, an amino acid with dissimilar properties. This amino acid position is conserved. In addition, this alteration is predicted to be tolerated by in silico analysis. Since supporting evidence is limited at this time, the clinical significance of this alteration remains unclear.

NM_001365951.3(KIF1B):c.5146A>C (p.Ser1716Arg)

Gene: KIF1B (kinesin family member 1B; plus strand). Cytogenetic location: 1p36.22.
Variant type: single nucleotide variant.
Coding change: c.5146A>C on transcript NM_001365951.3 (MANE Select); coding-DNA position 5146, A replaced by C.
Protein change: p.Ser1716Arg; replaces serine 1716 with arginine.
Molecular consequence: missense variant.
Genome position (GRCh38, 1-based): chr1:10,374,903, A>C. VCF-style: chr1-10374903-A-C. GRCh37 (hg19) VCF-style: chr1-10434961-A-C.
Other names: c.5146A>C, p.Ser1716Arg (NM_001365952.1); c.5008A>C, p.Ser1670Arg (NM_015074.3); short protein forms S1670R, S1716R.
Identifiers: ClinVar variation 2563605 (VCV002563605.2), dbSNP rs2521982392, ClinGen allele CA338330464.